The following is an entry in ClinVar:

ClinVar aggregate classification (germline): Uncertain significance. Review status: criteria provided, multiple submitters, no conflicts (2 of 4 stars). 2 submissions from 2 submitters: Uncertain significance (2). Last evaluated 2023-04-06.

Conditions:
Inborn genetic diseases. Identifiers: MedGen C0950123, MeSH D030342.

Allele frequency attached by ClinVar (database versions not stated): ExAC 0.00001.
gnomAD v4.1: 2 of 1,614,114 alleles (0.00012%); highest among the groups gnomAD compares: Middle Eastern, 0.016%; no homozygotes.

Submissions (2):

Women's Health and Genetics/Laboratory Corporation of America, LabCorp
Classification: Uncertain significance. Last evaluated: 2023-04-06. Review status: criteria provided, single submitter. Criteria: LabCorp Variant Classification Summary - May 2015. Collection method: clinical testing. Allele origin: germline.
Comment: Variant summary: SIN3A c.2893A>G (p.Met965Val) results in a conservative amino acid change located in the Sin3, C-terminal domain (IPR031693) of the encoded protein sequence. Three of five in-silico tools predict a damaging effect of the variant on protein function. The variant was absent in 251336 control chromosomes (gnomAD). The available data on variant occurrences in the general population are insufficient to allow any conclusion about variant significance. To our knowledge, no occurrence of c.2893A>G in individuals affected with SIN3A-Related Intellectual Disability Syndrome and no experimental evidence demonstrating its impact on protein function have been reported. One ClinVar submitter has assessed the variant since 2014: the variant was classified as uncertain significance. Based on the evidence outlined above, the variant was classified as uncertain significance.

Ambry Genetics
Classification: Uncertain significance for Inborn genetic diseases. Last evaluated: 2021-09-16. Review status: criteria provided, single submitter. Criteria: Ambry Variant Classification Scheme 2023. Collection method: clinical testing. Allele origin: germline.

NM_001145358.2(SIN3A):c.2893A>G (p.Met965Val)

Gene: SIN3A (SIN3 transcription regulator family member A; minus strand). Cytogenetic location: 15q24.2.
Variant type: single nucleotide variant.
Coding change: c.2893A>G on transcript NM_001145358.2 (MANE Select); coding-DNA position 2893, A replaced by G.
Protein change: p.Met965Val; replaces methionine 965 with valine.
Molecular consequence: missense variant.
Genome position (GRCh38, 1-based): chr15:75,389,780, T>C on the plus strand (A>G on the coding strand, the complement: SIN3A is on the minus strand). VCF-style: chr15-75389780-T-C. GRCh37 (hg19) VCF-style: chr15-75682121-T-C.
Other names: c.2893A>G, p.Met965Val (NM_001145357.2, NM_015477.3); c.2893A>G (NM_015477.2); short protein forms M965V.
Identifiers: ClinVar variation 2250344 (VCV002250344.3), dbSNP rs748986171, ClinGen allele CA7667370.
Genomic context (GRCh38, chr15:75,389,780, plus strand): 5'-CTCTCAGTGAATCTTCATACTGTGATGAGTCTATGTTGCCATCCAGCAGGCTCCGCACCA[T>C]GTCCAGGAAAGCTGGGTAATAATCTTCTACATCAACATCCACTGTGGGAGAGATGGGATT-3'
Protein context (NP_001138830.1, residues 955-975): VEDYYPAFLD[Met965Val]VRSLLDGNID